The following is an entry in ClinVar:

NC_000022.11:g.40346188G>T

Gene: ADSL (adenylosuccinate lyase; plus strand). Cytogenetic location: 22q13.1.
Variant type: single nucleotide variant.
Genome position: GRCh38 VCF-style: chr22-40346188-G-T. GRCh37 (hg19) VCF-style: chr22-40742192-G-T.
Identifiers: ClinVar variation 2723235 (VCV002723235.1), dbSNP rs1399154446, ClinGen allele CA2697552774.
Genomic context (GRCh38, chr22:40,346,188, plus strand): 5'-TTTTTTTTTTTGCTTTTTGTTTTTTAGAGACGGGAGGGTCTCCCTGTGTTGCCCAGGCTG[G>T]TCTCGATCTGTCGGCCTCAAGCGATCCTCCGGTCTGGGGCCCCCACAGTGCTGGGATTAC-3'

ClinVar aggregate classification (germline): Uncertain significance (1 of 4 stars; one submission).

Conditions:
Adenylosuccinate lyase deficiency (ADSLD). Also called: ADSL DEFICIENCY. Identifiers: Orphanet 46, MedGen C0268126, MONDO:0007068, OMIM 103050.

Submission:

Labcorp Genetics (formerly Invitae), Labcorp
Classification: Uncertain significance for Adenylosuccinate lyase deficiency. Last evaluated: 2023-03-10. Review status: criteria provided, single submitter. Criteria: Invitae Variant Classification Sherloc (09022015). Collection method: clinical testing. Allele origin: germline.
Comment: In summary, the available evidence is currently insufficient to determine the role of this variant in disease. Therefore, it has been classified as a Variant of Uncertain Significance. Experimental studies and prediction algorithms are not available or were not evaluated, and the functional significance of this variant is currently unknown. This variant has not been reported in the literature in individuals affected with ADSL-related conditions. The frequency data for this variant in the population databases is considered unreliable, as metrics indicate insufficient coverage at this position in the gnomAD database. This variant occurs in a non-coding region of the ADSL gene. It does not change the encoded amino acid sequence of the ADSL protein.